The following is an entry in ClinVar:

ClinVar aggregate classification (germline): Likely benign (1 of 4 stars; one submission).

Submission:

Laboratory for Molecular Medicine, Mass General Brigham Personalized Medicine
Classification: Likely benign. Last evaluated: 2014-09-24. Review status: criteria provided, single submitter. Criteria: LMM Criteria. Collection method: clinical testing. Allele origin: germline. Observed: 1 variant allele.
Comment: Thr18019Thr in exon 253 of TTN: This variant is not expected to have clinical si gnificance because it does not alter an amino acid residue and is not located wi thin the splice consensus sequence.

NM_001267550.2(TTN):c.61761A>C (p.Thr20587=)

Genes: TTN (titin; minus strand), TTN-AS1 (TTN antisense RNA 1; plus strand). Cytogenetic location: 2q31.2.
Variant type: single nucleotide variant.
Coding change: c.61761A>C on transcript NM_001267550.2 (MANE Select); coding-DNA position 61761, A replaced by C.
Protein change: p.Thr20587=; no amino-acid change (threonine 20587 retained).
Molecular consequence: synonymous variant.
Genome position (GRCh38, 1-based): chr2:178,589,964, T>G on the plus strand (A>C on the coding strand, the complement: TTN is on the minus strand). VCF-style: chr2-178589964-T-G. GRCh37 (hg19) VCF-style: chr2-179454691-T-G.
Other names: c.54057A>C, p.Thr18019= (NM_133378.4); c.56838A>C, p.Thr18946= (NM_001256850.1); c.34566A>C, p.Thr11522= (NM_003319.4); c.34941A>C, p.Thr11647= (NM_133432.3); c.35142A>C, p.Thr11714= (NM_133437.4).
Identifiers: ClinVar variation 179979 (VCV000179979.5), dbSNP rs727505259, ClinGen allele CA185565.
Genomic context (GRCh38, chr2:178,589,964, plus strand): 5'-TTCTACTATGAAGTTTGTTATTTCTGAGCCACCATTATCTAGTGGGTTTTCCCAAGAAAT[T>G]GTACAGTTCTCTTTGGTTACATTGGTAACCTTCAAATTCTGGCAAGGCCCAGGTCTGTCA-3'
Protein context (NP_001254479.2, residues 20577-20597): KVTNVTKENC[Thr20587=]ISWENPLDNG